The following is an entry in ClinVar:

NC_000008.11:g.73976058GCGGGCGGCAG[10]

Genes: TMEM70 (transmembrane protein 70; plus strand), LOC130000613 (ATAC-STARR-seq lymphoblastoid silent region 19296; plus strand). Cytogenetic location: 8q21.11.
Variant type: Microsatellite.
Genome position: GRCh38, VCF-style position (the base before the change): chr8:73,976,049. GRCh37 (hg19), VCF-style position (the base before the change): chr8:74,888,284.
Identifiers: ClinVar variation 1707282 (VCV001707282.3), dbSNP rs71269968, ClinGen allele CA582559585.
Genomic context (GRCh38, chr8:73,976,049, plus strand): 5'-GAGCCAAGGACAGAGCGGCGGGCTCCCAGCTCAGCTGGCGGATAACGCGCGCGGCCGGGA[A>AGGCGGCAGGCGGGCGGCAGGCGGGCGGCAGGCG]GGCGGCAGGCGGGCGGCAGGCGGGCGGCAGGCGGGCGGCAGGCGGGCGGCAGGCGGGCGG-3'

ClinVar aggregate classification (germline): Likely benign (1 of 4 stars; one submission).

Submission:

GeneDx
Classification: Likely benign. Last evaluated: 2021-05-26. Review status: criteria provided, single submitter. Criteria: GeneDx Variant Classification Process June 2021. Collection method: clinical testing. Allele origin: germline. Affected: yes.
Comment: See Variant Classification Assertion Criteria.